The following is an entry in ClinVar:

NM_006767.4(LZTR1):c.1922T>A (p.Leu641Ter)

Gene: LZTR1 (leucine zipper like post translational regulator 1; plus strand). Cytogenetic location: 22q11.21.
Variant type: single nucleotide variant.
Coding change: c.1922T>A on transcript NM_006767.4 (MANE Select); coding-DNA position 1922, T replaced by A.
Protein change: p.Leu641Ter; replaces leucine 641 with a stop codon.
Molecular consequence: nonsense.
Genome position (GRCh38, 1-based): chr22:20,995,006, T>A. VCF-style: chr22-20995006-T-A. GRCh37 (hg19) VCF-style: chr22-21349295-T-A.
Other names: short protein forms L641*.
Identifiers: ClinVar variation 3648185 (VCV003648185.2).
Genomic context (GRCh38, chr22:20,995,006, plus strand): 5'-CCTCTCCACTGATAGTGGAGATTGTGCGGCGGAAGCAGCAGCCGCCCCCTCGCACTCCCT[T>A]GGACCAGCCAGTGGACATTGGTAGGGAGCCCCGTTCCCCTTCCCTGGGGGCTGGGAGGGA-3'

ClinVar aggregate classification (germline): Pathogenic (1 of 4 stars; one submission).

Submission:

Labcorp Genetics (formerly Invitae), Labcorp
Classification: Pathogenic. Last evaluated: 2025-02-11. Review status: criteria provided, single submitter. Criteria: Invitae Variant Classification Sherloc (09022015). Collection method: clinical testing. Allele origin: germline.
Comment: This sequence change creates a premature translational stop signal (p.Leu641*) in the LZTR1 gene. It is expected to result in an absent or disrupted protein product. Loss-of-function variants in LZTR1 are known to be pathogenic (PMID: 24362817, 25335493, 25480913, 25795793, 29469822, 30368668, 30442762, 30442766, 30481304, 30859559). This variant is not present in population databases (gnomAD no frequency). This variant has not been reported in the literature in individuals affected with LZTR1-related conditions. For these reasons, this variant has been classified as Pathogenic.

Literature cited by the submitters: PubMed 24362817; PubMed 25335493; PubMed 25480913; PubMed 25795793; PubMed 29469822; PubMed 30368668; PubMed 30442762; PubMed 30442766; PubMed 30481304; PubMed 30859559.